The following is an entry in ClinVar:

ClinVar aggregate classification (germline): Uncertain significance (1 of 4 stars; one submission).

Conditions:
Hereditary nonpolyposis colorectal neoplasms. Identifiers: MedGen C0009405, MeSH D003123.

Submission:

Labcorp Genetics (formerly Invitae), Labcorp
Classification: Uncertain significance for Hereditary nonpolyposis colorectal neoplasms. Last evaluated: 2022-07-19. Review status: criteria provided, single submitter. Criteria: Invitae Variant Classification Sherloc (09022015). Collection method: clinical testing. Allele origin: germline.
Comment: In summary, the available evidence is currently insufficient to determine the role of this variant in disease. Therefore, it has been classified as a Variant of Uncertain Significance. This sequence change replaces arginine, which is basic and polar, with glycine, which is neutral and non-polar, at codon 58 of the MSH6 protein (p.Arg58Gly). This variant is not present in population databases (gnomAD no frequency). This variant has not been reported in the literature in individuals affected with MSH6-related conditions. ClinVar contains an entry for this variant (Variation ID: 845729). Advanced modeling of protein sequence and biophysical properties (such as structural, functional, and spatial information, amino acid conservation, physicochemical variation, residue mobility, and thermodynamic stability) performed at Invitae indicates that this missense variant is not expected to disrupt MSH6 protein function.

NM_000179.3(MSH6):c.172A>G (p.Arg58Gly)

Gene: MSH6 (mutS homolog 6; plus strand). Cytogenetic location: 2p16.3.
Variant type: single nucleotide variant.
Coding change: c.172A>G on transcript NM_000179.3 (MANE Select); coding-DNA position 172, A replaced by G.
Protein change: p.Arg58Gly; replaces arginine 58 with glycine.
Molecular consequence: missense variant. On other transcripts: 5 prime UTR variant (1).
Genome position (GRCh38, 1-based): chr2:47,783,405, A>G. VCF-style: chr2-47783405-A-G. GRCh37 (hg19) VCF-style: chr2-48010544-A-G.
Other names: c.172A>G, p.Arg58Gly (NM_001281492.2); c.-565A>G (NM_001281493.2); short protein forms R58G.
Identifiers: ClinVar variation 845729 (VCV000845729.10), dbSNP rs1553408313, ClinGen allele CA346734999.